The following is an entry in ClinVar:

ClinVar aggregate classification (germline): Uncertain significance. Review status: criteria provided, multiple submitters, no conflicts (2 of 4 stars). 2 submissions from 2 submitters: Uncertain significance (2). Last evaluated 2025-06-16.

Conditions:
Inborn genetic diseases. Identifiers: MedGen C0950123, MeSH D030342.

Allele frequency attached by ClinVar (database versions not stated): ExAC 0.00002; gnomAD exomes 0.00002; TOPMed 0.00002.
gnomAD v4.1: 14 of 1,614,170 alleles (0.00087%); highest among the groups gnomAD compares: Admixed American, 0.017%; no homozygotes.

Submissions (2):

Ambry Genetics
Classification: Uncertain significance for Inborn genetic diseases. Last evaluated: 2025-06-16. Review status: criteria provided, single submitter. Criteria: Ambry Variant Classification Scheme 2023. Collection method: clinical testing. Allele origin: germline.

Labcorp Genetics (formerly Invitae), Labcorp
Classification: Uncertain significance. Last evaluated: 2025-05-05. Review status: criteria provided, single submitter. Criteria: Invitae Variant Classification Sherloc (09022015). Collection method: clinical testing. Allele origin: germline.
Comment: This sequence change replaces leucine, which is neutral and non-polar, with phenylalanine, which is neutral and non-polar, at codon 1627 of the VPS13D protein (p.Leu1627Phe). This variant is present in population databases (rs778547290, gnomAD 0.03%). This variant has not been reported in the literature in individuals affected with VPS13D-related conditions. ClinVar contains an entry for this variant (Variation ID: 1927522). Invitae Evidence Modeling of protein sequence and biophysical properties (such as structural, functional, and spatial information, amino acid conservation, physicochemical variation, residue mobility, and thermodynamic stability) indicates that this missense variant is not expected to disrupt VPS13D protein function with a negative predictive value of 80%. In summary, the available evidence is currently insufficient to determine the role of this variant in disease. Therefore, it has been classified as a Variant of Uncertain Significance.

NM_015378.4(VPS13D):c.4879C>T (p.Leu1627Phe)

Gene: VPS13D (vacuolar protein sorting 13 homolog D; plus strand). Cytogenetic location: 1p36.22.
Variant type: single nucleotide variant.
Coding change: c.4879C>T on transcript NM_015378.4 (MANE Select); coding-DNA position 4879, C replaced by T.
Protein change: p.Leu1627Phe; replaces leucine 1627 with phenylalanine.
Molecular consequence: missense variant.
Genome position (GRCh38, 1-based): chr1:12,282,981, C>T. VCF-style: chr1-12282981-C-T. GRCh37 (hg19) VCF-style: chr1-12343038-C-T.
Other names: c.4879C>T, p.Leu1627Phe (NM_018156.4); c.4879C>T (NM_015378.2); short protein forms L1627F.
Identifiers: ClinVar variation 1927522 (VCV001927522.5), dbSNP rs778547290, ClinGen allele CA602226.